The following is an entry in ClinVar:

ClinVar aggregate classification (germline): Uncertain significance (1 of 4 stars; one submission).

Allele frequency attached by ClinVar (database versions not stated): gnomAD exomes below 0.00001.
gnomAD v4.1: 2 of 1,614,108 alleles (0.00012%); highest among the groups gnomAD compares: Non-Finnish European, 0.00017%; no homozygotes.

Submission:

Labcorp Genetics (formerly Invitae), Labcorp
Classification: Uncertain significance. Last evaluated: 2023-05-24. Review status: criteria provided, single submitter. Criteria: Invitae Variant Classification Sherloc (09022015). Collection method: clinical testing. Allele origin: germline.
Comment: An algorithm developed to predict the effect of missense changes on protein structure and function (PolyPhen-2) suggests that this variant is likely to be disruptive. In summary, the available evidence is currently insufficient to determine the role of this variant in disease. Therefore, it has been classified as a Variant of Uncertain Significance. This variant has not been reported in the literature in individuals affected with KIF20A-related conditions. This variant is present in population databases (no rsID available, gnomAD 0.0009%). This sequence change replaces threonine, which is neutral and polar, with alanine, which is neutral and non-polar, at codon 494 of the KIF20A protein (p.Thr494Ala).

NM_005733.3(KIF20A):c.1480A>G (p.Thr494Ala)

Gene: KIF20A (kinesin family member 20A; plus strand). Cytogenetic location: 5q31.2.
Variant type: single nucleotide variant.
Coding change: c.1480A>G on transcript NM_005733.3 (MANE Select); coding-DNA position 1480, A replaced by G.
Protein change: p.Thr494Ala; replaces threonine 494 with alanine.
Molecular consequence: missense variant.
Genome position (GRCh38, 1-based): chr5:138,184,366, A>G. VCF-style: chr5-138184366-A-G. GRCh37 (hg19) VCF-style: chr5-137520055-A-G.
Other names: short protein forms T494A.
Identifiers: ClinVar variation 2792012 (VCV002792012.3), dbSNP rs1161115805, ClinGen allele CA361116475.